The following is an entry in ClinVar:

NM_015488.5(PNKD):c.*451A>G

Genes: CATIP-AS2 (CATIP antisense RNA 2; minus strand), PNKD (PNKD metallo-beta-lactamase domain containing; plus strand). Cytogenetic location: 2q35.
Variant type: single nucleotide variant.
Coding change: c.*451A>G on transcript NM_015488.5 (MANE Select); 451 bases downstream of the stop codon, A replaced by G.
Molecular consequence: 3 prime UTR variant.
Genome position (GRCh38, 1-based): chr2:218,345,432, A>G. VCF-style: chr2-218345432-A-G. GRCh37 (hg19) VCF-style: chr2-219210155-A-G.
Other names: c.*451A>G (NM_022572.5).
Identifiers: ClinVar variation 334336 (VCV000334336.5), dbSNP rs148230498, ClinGen allele CA10612434.

ClinVar aggregate classification (germline): Benign (1 of 4 stars; one submission).

Conditions:
Paroxysmal nonkinesigenic dyskinesia 1 (PNKD1). Also called: Nonkinesigenic choreoathetosis; Familial paroxysmal choreoathetosis; DYSTONIA 8; Familial Paroxysmal Nonkinesigenic Dyskinesia; MOUNT-REBACK SYNDROME; PxMD-PNKD. Identifiers: Orphanet 98810, MedGen C4551506, MONDO:0700089, OMIM 118800, MONDO:0007326.

Allele frequency attached by ClinVar (database versions not stated): 1000 Genomes Project 0.01118; gnomAD 0.00414 and 0.00458; TOPMed 0.00782; gnomAD exomes 0.00833; 1000 Genomes Project 30x 0.01109.

Submission:

Illumina Laboratory Services, Illumina
Classification: Benign for Paroxysmal nonkinesigenic dyskinesia 1. Last evaluated: 2018-01-13. Review status: criteria provided, single submitter. Criteria: ICSL Variant Classification Criteria 13 December 2019. Collection method: clinical testing. Allele origin: germline.
Comment: This variant was observed in the ICSL laboratory as part of a predisposition screen in an ostensibly healthy population. It had not been previously curated by ICSL or reported in the Human Gene Mutation Database (HGMD: prior to June 1st, 2018), and was therefore a candidate for classification through an automated scoring system. Utilizing variant allele frequency, disease prevalence and penetrance estimates, and inheritance mode, an automated score was calculated to assess if this variant is too frequent to cause the disease. Based on the score and internal cut-off values, a variant classified as benign is not then subjected to further curation. The score for this variant resulted in a classification of benign for this disease.